The following is an entry in ClinVar:

NM_012309.5(SHANK2):c.396C>A (p.Gly132=)

Gene: SHANK2 (SH3 and multiple ankyrin repeat domains 2; minus strand). Cytogenetic location: 11q13.4.
Variant type: single nucleotide variant.
Coding change: c.396C>A on transcript NM_012309.5 (MANE Select); coding-DNA position 396, C replaced by A.
Protein change: p.Gly132=; no amino-acid change (glycine 132 retained).
Molecular consequence: synonymous variant.
Genome position (GRCh38, 1-based): chr11:71,118,844, G>T on the plus strand (C>A on the coding strand, the complement: SHANK2 is on the minus strand). VCF-style: chr11-71118844-G-T. GRCh37 (hg19) VCF-style: chr11-70829890-G-T.
Identifiers: ClinVar variation 305920 (VCV000305920.13), dbSNP rs148065633, ClinGen allele CA6162137.

ClinVar aggregate classification (germline): Likely benign. Review status: criteria provided, multiple submitters, no conflicts (2 of 4 stars). 2 submissions from 2 submitters: Likely benign (2). Last evaluated 2026-03-01.

Allele frequency attached by ClinVar (database versions not stated): TOPMed 0.00296; 1000 Genomes Project 30x 0.00390; ESP Exome Variant Server 0.00394; 1000 Genomes Project 0.00399; ExAC 0.00144; gnomAD 0.00290.
gnomAD v4.1: 741 of 1,549,958 alleles (0.048%); highest among the groups gnomAD compares: African/African-American, 0.94%; 1 homozygote.

Submissions (2):

CeGaT Center for Human Genetics Tuebingen
Classification: Likely benign. Last evaluated: 2026-03-01. Review status: criteria provided, single submitter. Criteria: CeGaT Center For Human Genetics Tuebingen Variant Classification Criteria Version 2. Collection method: clinical testing. Allele origin: germline. Affected: yes. Observed: 2 variant alleles.
Comment: SHANK2: BP4, BP7, BS1

Blueprint Genetics
Classification: Likely benign. Last evaluated: 2024-11-12. Review status: criteria provided, single submitter. Criteria: ACMG Guidelines, 2015. Collection method: clinical testing. Allele origin: germline.